The following is an entry in ClinVar:

ClinVar aggregate classification (germline): Likely benign (1 of 4 stars; one submission).

gnomAD v4.1: 1 of 1,613,564 alleles (0.000062%); highest among the groups gnomAD compares: South Asian, 0.0011%; no homozygotes.

Submission:

CeGaT Center for Human Genetics Tuebingen
Classification: Likely benign. Last evaluated: 2026-04-01. Review status: criteria provided, single submitter. Criteria: CeGaT Center For Human Genetics Tuebingen Variant Classification Criteria Version 2. Collection method: clinical testing. Allele origin: germline. Affected: yes. Observed: 2 variant alleles.
Comment: TBL1XR1: BP4, BP7

NM_024665.7(TBL1XR1):c.324A>T (p.Ala108=)

Gene: TBL1XR1 (TBL1X/Y related 1; minus strand). Cytogenetic location: 3q26.32.
Variant type: single nucleotide variant.
Coding change: c.324A>T on transcript NM_024665.7 (MANE Select); coding-DNA position 324, A replaced by T.
Protein change: p.Ala108=; no amino-acid change (alanine 108 retained).
Molecular consequence: synonymous variant.
Genome position (GRCh38, 1-based): chr3:177,051,607, T>A on the plus strand (A>T on the coding strand, the complement: TBL1XR1 is on the minus strand). VCF-style: chr3-177051607-T-A. GRCh37 (hg19) VCF-style: chr3-176769395-T-A.
Other names: c.324A>T, p.Ala108= (NM_001321193.3, NM_001321194.3, NM_001374327.1 and 2 more transcripts); c.63A>T, p.Ala21= (NM_001321195.3, NM_001374330.1).
Identifiers: ClinVar variation 4681518 (VCV004681518.5).